The following is an entry in ClinVar:

NM_020461.4(TUBGCP6):c.2076G>A (p.Met692Ile)

Gene: TUBGCP6 (tubulin gamma complex component 6; minus strand). Cytogenetic location: 22q13.33.
Variant type: single nucleotide variant.
Coding change: c.2076G>A on transcript NM_020461.4 (MANE Select); coding-DNA position 2076, G replaced by A.
Protein change: p.Met692Ile; replaces methionine 692 with isoleucine.
Molecular consequence: missense variant.
Genome position (GRCh38, 1-based): chr22:50,224,410, C>T on the plus strand (G>A on the coding strand, the complement: TUBGCP6 is on the minus strand). VCF-style: chr22-50224410-C-T. GRCh37 (hg19) VCF-style: chr22-50662839-C-T.
Other names: short protein forms M692I.
Identifiers: ClinVar variation 1037594 (VCV001037594.8), dbSNP rs373790669, ClinGen allele CA10308354.
Genomic context (GRCh38, chr22:50,224,410, plus strand): 5'-TTGTTCTTTCAGCCTCTGAAACTGCTCACGCTTCCGGGCATCCAAGGCCATCCGTTCTGA[C>T]ATCTGCCGGTCTACATTGGGACAGTAAGGGGCGCACTGTCACAAGGAGGCCCCAGCAAGG-3'
Protein context (NP_065194.3, residues 682-702): RVLSALSDRQ[Met692Ile]SERMALDARK

ClinVar aggregate classification (germline): Uncertain significance (1 of 4 stars; one submission).

Allele frequency attached by ClinVar (database versions not stated): ExAC 0.00002; gnomAD 0.00002; gnomAD exomes 0.00002; TOPMed 0.00003; ESP Exome Variant Server 0.00008.
gnomAD v4.1: 31 of 1,614,104 alleles (0.0019%); highest among the groups gnomAD compares: Non-Finnish European, 0.0025%; no homozygotes.

Submission:

Labcorp Genetics (formerly Invitae), Labcorp
Classification: Uncertain significance. Last evaluated: 2022-11-22. Review status: criteria provided, single submitter. Criteria: Invitae Variant Classification Sherloc (09022015). Collection method: clinical testing. Allele origin: germline.
Comment: Algorithms developed to predict the effect of missense changes on protein structure and function (SIFT, PolyPhen-2, Align-GVGD) all suggest that this variant is likely to be tolerated. ClinVar contains an entry for this variant (Variation ID: 1037594). This variant has not been reported in the literature in individuals affected with TUBGCP6-related conditions. This variant is present in population databases (rs373790669, gnomAD 0.004%). This sequence change replaces methionine, which is neutral and non-polar, with isoleucine, which is neutral and non-polar, at codon 692 of the TUBGCP6 protein (p.Met692Ile). In summary, the available evidence is currently insufficient to determine the role of this variant in disease. Therefore, it has been classified as a Variant of Uncertain Significance.